The following is an entry in ClinVar:

NM_003265.3(TLR3):c.1811C>T (p.Ser604Phe)

Gene: TLR3 (toll like receptor 3; plus strand). Cytogenetic location: 4q35.1.
Variant type: single nucleotide variant.
Coding change: c.1811C>T on transcript NM_003265.3 (MANE Select); coding-DNA position 1811, C replaced by T.
Protein change: p.Ser604Phe; replaces serine 604 with phenylalanine.
Molecular consequence: missense variant.
Genome position (GRCh38, 1-based): chr4:186,083,497, C>T. VCF-style: chr4-186083497-C-T. GRCh37 (hg19) VCF-style: chr4-187004651-C-T.
Other names: short protein forms S604F.
Identifiers: ClinVar variation 2126561 (VCV002126561.4), dbSNP rs2099303874, ClinGen allele CA358934211.

ClinVar aggregate classification (germline): Uncertain significance (1 of 4 stars; one submission).

Conditions:
Encephalopathy, acute, infection-induced (herpes-specific), susceptibility to, 1. Also called: Herpes simplex encephalitis, susceptibility to, 1. Identifiers: Orphanet 1930, MedGen C2750180, MONDO:0024563, OMIM 610551.

Submission:

Labcorp Genetics (formerly Invitae), Labcorp
Classification: Uncertain significance for Encephalopathy, acute, infection-induced (herpes-specific), susceptibility to, 1. Last evaluated: 2024-10-29. Review status: criteria provided, single submitter. Criteria: Invitae Variant Classification Sherloc (09022015). Collection method: clinical testing. Allele origin: germline.
Comment: This sequence change replaces serine, which is neutral and polar, with phenylalanine, which is neutral and non-polar, at codon 604 of the TLR3 protein (p.Ser604Phe). This variant is not present in population databases (gnomAD no frequency). This variant has not been reported in the literature in individuals affected with TLR3-related conditions. ClinVar contains an entry for this variant (Variation ID: 2126561). An algorithm developed to predict the effect of missense changes on protein structure and function outputs the following: PolyPhen-2: "Benign". The phenylalanine amino acid residue is found in multiple mammalian species, which suggests that this missense change does not adversely affect protein function. In summary, the available evidence is currently insufficient to determine the role of this variant in disease. Therefore, it has been classified as a Variant of Uncertain Significance.